The following is an entry in ClinVar:

ClinVar aggregate classification (germline): Uncertain significance (1 of 4 stars; one submission).

Conditions:
Alstrom syndrome (ALMS). Identifiers: Orphanet 64, MedGen C0268425, MONDO:0008763, OMIM 203800.

Submission:

Labcorp Genetics (formerly Invitae), Labcorp
Classification: Uncertain significance for Alstrom syndrome. Last evaluated: 2022-06-16. Review status: criteria provided, single submitter. Criteria: Invitae Variant Classification Sherloc (09022015). Collection method: clinical testing. Allele origin: germline.
Comment: In summary, the available evidence is currently insufficient to determine the role of this variant in disease. Therefore, it has been classified as a Variant of Uncertain Significance. Experimental studies and prediction algorithms are not available or were not evaluated, and the functional significance of this variant is currently unknown. This variant has not been reported in the literature in individuals affected with ALMS1-related conditions. This variant is not present in population databases (gnomAD no frequency). This sequence change replaces leucine, which is neutral and non-polar, with methionine, which is neutral and non-polar, at codon 4069 of the ALMS1 protein (p.Leu4069Met).

NM_001378454.1(ALMS1):c.12202C>A (p.Leu4068Met)

Genes: ALMS1 (ALMS1 centrosome and basal body associated protein; plus strand), LOC126806252 (BRD4-independent group 4 enhancer GRCh37_chr2:73828496-73829695; plus strand). Cytogenetic location: 2p13.1.
Variant type: single nucleotide variant.
Coding change: c.12202C>A on transcript NM_001378454.1 (MANE Select); coding-DNA position 12202, C replaced by A.
Protein change: p.Leu4068Met; replaces leucine 4068 with methionine.
Molecular consequence: missense variant.
Genome position (GRCh38, 1-based): chr2:73,602,272, C>A. VCF-style: chr2-73602272-C-A. GRCh37 (hg19) VCF-style: chr2-73829399-C-A.
Other names: c.12205C>A, p.Leu4069Met (NM_015120.4); short protein forms L4068M, L4069M.
Identifiers: ClinVar variation 2007503 (VCV002007503.4), dbSNP rs1017808959, ClinGen allele CA347268105.